The following is an entry in ClinVar:

NM_015335.5(MED13L):c.4230C>A (p.Asp1410Glu)

Gene: MED13L (mediator complex subunit 13L; minus strand). Cytogenetic location: 12q24.21.
Variant type: single nucleotide variant.
Coding change: c.4230C>A on transcript NM_015335.5 (MANE Select); coding-DNA position 4230, C replaced by A.
Protein change: p.Asp1410Glu; replaces aspartic acid 1410 with glutamic acid.
Molecular consequence: missense variant.
Genome position (GRCh38, 1-based): chr12:115,986,374, G>T on the plus strand (C>A on the coding strand, the complement: MED13L is on the minus strand). VCF-style: chr12-115986374-G-T. GRCh37 (hg19) VCF-style: chr12-116424179-G-T.
Other names: short protein forms D1410E.
Identifiers: ClinVar variation 1175840 (VCV001175840.38), dbSNP rs2137287044, ClinGen allele CA386884559.

ClinVar aggregate classification (germline): Uncertain significance. Review status: criteria provided, multiple submitters, no conflicts (2 of 4 stars). 2 submissions from 2 submitters: Uncertain significance (2). Last evaluated 2026-08-16.

Allele frequency attached by ClinVar (database versions not stated): gnomAD exomes below 0.00001.
gnomAD v4.1: 2 of 1,614,048 alleles (0.00012%); highest among the groups gnomAD compares: Non-Finnish European, 0.00017%; no homozygotes.

Submissions (2):

GeneDx
Classification: Uncertain significance. Last evaluated: 2026-08-16. Review status: criteria provided, single submitter. Criteria: GeneDx Variant Classification Process June 2021. Collection method: clinical testing. Allele origin: germline.
Comment: Not observed at significant frequency in large population cohorts (gnomAD); In silico analysis suggests that this missense variant does not alter protein structure/function; Has not been previously published as pathogenic or benign to our knowledge

CeGaT Center for Human Genetics Tuebingen
Classification: Uncertain significance. Last evaluated: 2021-03-01. Review status: criteria provided, single submitter. Criteria: CeGaT Center For Human Genetics Tuebingen Variant Classification Criteria Version 2. Collection method: clinical testing. Allele origin: germline. Affected: yes. Observed: 1 variant allele.